The following is an entry in ClinVar:

ClinVar aggregate classification (germline): Uncertain significance (1 of 4 stars; one submission).

gnomAD v4.1: 1 of 1,209,853 alleles (0.000083%); highest among the groups gnomAD compares: South Asian, 0.0018%; no homozygotes.

Submission:

GeneDx
Classification: Uncertain significance. Last evaluated: 2025-05-01. Review status: criteria provided, single submitter. Criteria: GeneDx Variant Classification Process June 2021. Collection method: clinical testing. Allele origin: germline. Affected: yes.
Comment: Not observed at significant frequency in large population cohorts (gnomAD); In silico analysis supports that this missense variant has a deleterious effect on protein structure/function; Has not been previously published as pathogenic or benign to our knowledge

NM_153252.5(BRWD3):c.2134C>T (p.His712Tyr)

Gene: BRWD3 (bromodomain and WD repeat domain containing 3; minus strand). Cytogenetic location: Xq21.1.
Variant type: single nucleotide variant.
Coding change: c.2134C>T on transcript NM_153252.5 (MANE Select); coding-DNA position 2134, C replaced by T.
Protein change: p.His712Tyr; replaces histidine 712 with tyrosine.
Molecular consequence: missense variant.
Genome position (GRCh38, 1-based): chrX:80,717,670, G>A on the plus strand (C>T on the coding strand, the complement: BRWD3 is on the minus strand). VCF-style: chrX-80717670-G-A. GRCh37 (hg19) VCF-style: chrX-79973169-G-A.
Other names: c.2134C>T, p.His712Tyr (NM_001441339.1); short protein forms H712Y.
Identifiers: ClinVar variation 4528055 (VCV004528055.1).